The following is an entry in ClinVar:

NM_001385012.1(NBEA):c.1834G>A (p.Val612Ile)

Gene: NBEA (neurobeachin; plus strand). Cytogenetic location: 13q13.3.
Variant type: single nucleotide variant.
Coding change: c.1834G>A on transcript NM_001385012.1 (MANE Select); coding-DNA position 1834, G replaced by A.
Protein change: p.Val612Ile; replaces valine 612 with isoleucine.
Molecular consequence: missense variant.
Genome position (GRCh38, 1-based): chr13:35,110,810, G>A. VCF-style: chr13-35110810-G-A. GRCh37 (hg19) VCF-style: chr13-35684947-G-A.
Other names: c.1834G>A, p.Val612Ile (NM_001379245.1, NM_015678.5); short protein forms V612I.
Identifiers: ClinVar variation 3061079 (VCV003061079.2), dbSNP rs1306111230, ClinGen allele CA387830968.

ClinVar aggregate classification (germline): Uncertain significance (0 of 4 stars; one submission).

Conditions:
NBEA-related disorder. Also called: NBEA-related condition.

Allele frequency attached by ClinVar (database versions not stated): gnomAD exomes below 0.00001.
gnomAD v4.1: 3 of 1,607,944 alleles (0.00019%); highest among the groups gnomAD compares: Non-Finnish European, 0.00026%; no homozygotes.

Submission:

PreventionGenetics, part of Exact Sciences
Classification: Uncertain significance for NBEA-related condition. Last evaluated: 2024-02-16. Review status: no assertion criteria provided. Collection method: clinical testing. Allele origin: germline.
Comment: The NBEA c.1834G>A variant is predicted to result in the amino acid substitution p.Val612Ile. To our knowledge, this variant has not been reported in the literature or in a large population database, indicating this variant is rare. At this time, the clinical significance of this variant is uncertain due to the absence of conclusive functional and genetic evidence.